The following is an entry in ClinVar:

ClinVar aggregate classification (germline): Pathogenic (1 of 4 stars; one submission).

Conditions:
Hyperammonemic encephalopathy due to carbonic anhydrase VA deficiency. Also called: Carbonic Anhydrase VA Deficiency; Carbonic anhydrase VA deficiency, hyperammonemia due to. Identifiers: Orphanet 401948, MedGen C4706871, MONDO:0014332, OMIM 615751.

Submission:

Labcorp Genetics (formerly Invitae), Labcorp
Classification: Pathogenic for Hyperammonemic encephalopathy due to carbonic anhydrase VA deficiency. Last evaluated: 2021-08-12. Review status: criteria provided, single submitter. Criteria: Invitae Variant Classification Sherloc (09022015). Collection method: clinical testing. Allele origin: germline.
Comment: This variant is a gross deletion of the genomic region encompassing exon(s) 6-7 of the CA5A gene, which includes the termination codon. This deletion extends beyond the assayed region for this gene and therefore may encompass additional genes. While this deletion is not anticipated to lead to nonsense mediated decay, it is expected to alter mRNA translation or result in a truncated protein product. This variant has not been reported in the literature in individuals affected with CA5A-related conditions. The region of the CA5A gene that includes exon(s) 6 has been determined to be clinically significant (PMID: 24530203, 26913920). Therefore, deletions that encompass that region are likely to be disease-causing. For these reasons, this variant has been classified as Pathogenic.

Literature cited by the submitters: PubMed 24530203; PubMed 26913920.

NC_000016.10:g.(?_87888109)_(87891974_?)del

Gene: CA5A (carbonic anhydrase 5A; minus strand). Cytogenetic location: 16q24.2.
Variant type: Deletion.
Identifiers: ClinVar variation 832363 (VCV000832363.6).